The following is an entry in ClinVar:

NM_000051.4(ATM):c.751G>C (p.Val251Leu)

Gene: ATM (ATM serine/threonine kinase; plus strand). Cytogenetic location: 11q22.3.
Variant type: single nucleotide variant.
Coding change: c.751G>C on transcript NM_000051.4 (MANE Select); coding-DNA position 751, G replaced by C.
Protein change: p.Val251Leu; replaces valine 251 with leucine.
Molecular consequence: missense variant.
Genome position (GRCh38, 1-based): chr11:108,244,876, G>C. VCF-style: chr11-108244876-G-C. GRCh37 (hg19) VCF-style: chr11-108115603-G-C.
Other names: c.751G>C, p.Val251Leu (NM_001351834.2); short protein forms V251L.
Identifiers: ClinVar variation 3452849 (VCV003452849.1).

ClinVar aggregate classification (germline): Uncertain significance (1 of 4 stars; one submission).

Conditions:
Hereditary cancer-predisposing syndrome. Also called: Tumor predisposition; Neoplastic Syndromes, Hereditary; Hereditary neoplastic syndrome; Hereditary Cancer Syndrome. Identifiers: Orphanet 140162, MedGen C0027672, MeSH D009386, MONDO:0015356.

Submission:

Ambry Genetics
Classification: Uncertain significance for Hereditary cancer-predisposing syndrome. Last evaluated: 2024-11-18. Review status: criteria provided, single submitter. Criteria: Ambry Variant Classification Scheme 2023. Collection method: clinical testing. Allele origin: germline.
Comment: The p.V251L variant (also known as c.751G>C), located in coding exon 6 of the ATM gene, results from a G to C substitution at nucleotide position 751. The valine at codon 251 is replaced by leucine, an amino acid with highly similar properties. This amino acid position is conserved. In addition, this alteration is predicted to be tolerated by in silico analysis. Based on the available evidence, the clinical significance of this variant remains unclear.